The following is an entry in ClinVar:

ClinVar aggregate classification (germline): Uncertain significance (1 of 4 stars; one submission).

Submission:

Labcorp Genetics (formerly Invitae), Labcorp
Classification: Uncertain significance. Last evaluated: 2024-02-25. Review status: criteria provided, single submitter. Criteria: Invitae Variant Classification Sherloc (09022015). Collection method: clinical testing. Allele origin: germline.
Comment: This sequence change replaces alanine, which is neutral and non-polar, with threonine, which is neutral and polar, at codon 585 of the C1S protein (p.Ala585Thr). This variant is not present in population databases (gnomAD no frequency). This variant has not been reported in the literature in individuals affected with C1S-related conditions. Advanced modeling of protein sequence and biophysical properties (such as structural, functional, and spatial information, amino acid conservation, physicochemical variation, residue mobility, and thermodynamic stability) performed at Invitae indicates that this missense variant is not expected to disrupt C1S protein function with a negative predictive value of 80%. In summary, the available evidence is currently insufficient to determine the role of this variant in disease. Therefore, it has been classified as a Variant of Uncertain Significance.

NM_001734.5(C1S):c.1753G>A (p.Ala585Thr)

Gene: C1S (complement C1s; plus strand). Cytogenetic location: 12p13.31.
Variant type: single nucleotide variant.
Coding change: c.1753G>A on transcript NM_001734.5 (MANE Select); coding-DNA position 1753, G replaced by A.
Protein change: p.Ala585Thr; replaces alanine 585 with threonine.
Molecular consequence: missense variant.
Genome position (GRCh38, 1-based): chr12:7,070,337, G>A. VCF-style: chr12-7070337-G-A. GRCh37 (hg19) VCF-style: chr12-7177641-G-A.
Other names: c.1252G>A, p.Ala418Thr (NM_001346850.2); c.1753G>A, p.Ala585Thr (NM_201442.4); short protein forms A418T, A585T.
Identifiers: ClinVar variation 3688671 (VCV003688671.2).